The following is an entry in ClinVar:

ClinVar aggregate classification (germline): Pathogenic/Likely pathogenic. Review status: criteria provided, multiple submitters, no conflicts (2 of 4 stars). 5 submissions from 5 submitters: Pathogenic (3); Likely pathogenic (1). 1 of the submissions does not count toward it. Last evaluated 2025-10-16.

Conditions:
TSC2-related disorder. Also called: TSC2-Related Disorders; TSC2-related condition.
Tuberous sclerosis syndrome (TSC). Also called: Tuberous Sclerosis Complex; Tuberous sclerosis. Identifiers: Orphanet 805, MedGen C0041341, MONDO:0001734.
Tuberous sclerosis 2 (TSC2). Identifiers: Orphanet 805, MedGen C1860707, MONDO:0013199, OMIM 613254.

Submissions (5):

PreventionGenetics, part of Exact Sciences
Classification: Likely pathogenic for TSC2-related condition. Last evaluated: 2025-10-16. Review status: criteria provided, single submitter. Criteria: ACMG Guidelines, 2015. Collection method: clinical testing. Allele origin: germline.
Comment: The TSC2 c.1111C>T variant is predicted to result in premature protein termination (p.Gln371*). To our knowledge, this variant has not been reported in the literature or in a large population database (gnomAD), indicating this variant is rare. Nonsense variants in TSC2 are expected to be pathogenic. This variant is interpreted as likely pathogenic.

Genome-Nilou Lab
Classification: Pathogenic for Tuberous sclerosis 2. Last evaluated: 2021-11-07. Review status: criteria provided, single submitter. Criteria: ACMG Guidelines, 2015. Collection method: clinical testing. Allele origin: germline. Affected: no.

GeneDx
Classification: Pathogenic. Last evaluated: 2018-07-27. Review status: criteria provided, single submitter. Criteria: GeneDx Variant Classification (06012015). Collection method: clinical testing. Allele origin: germline. Affected: yes.
Comment: The Q371X nonsense variant in the TSC2 gene has been reported previously in association with TSC, including as a de novo change (Rendtorff et al., 2005 [reported as Q370X due to the use of alternate nomenclature]; Nallasamy et al., 2017; TSC2 LOVD). This pathogenic variant is predicted to cause loss of normal protein function either through protein truncation or nonsense-mediated mRNA decay. Furthermore, the Q371X variant is not observed in large population cohorts (Lek et al., 2016). Therefore, the Q371X variant is considered a pathogenic variant.

Labcorp Genetics (formerly Invitae), Labcorp
Classification: Pathogenic for Tuberous sclerosis 2. Last evaluated: 2017-11-14. Review status: criteria provided, single submitter. Criteria: Invitae Variant Classification Sherloc (09022015). Collection method: clinical testing. Allele origin: germline.
Comment: This variant is not present in population databases (ExAC no frequency). This sequence change creates a premature translational stop signal (p.Gln371*) in the TSC2 gene. It is expected to result in an absent or disrupted protein product. Loss-of-function variants in TSC2 are known to be pathogenic (PMID: 10205261, 17304050). For these reasons, this variant has been classified as Pathogenic. This variant has been reported to be de novo in an individual affected with tuberous sclerosis (PMID: 9881533) and has been reported in individuals in the Leiden Open-source Variation Database (PMID: 21520333). ClinVar contains an entry for this variant (Variation ID: 49142).

Tuberous sclerosis database (TSC2)
No classification provided. Condition: TSC. Review status: no classification provided. Criteria: Tuberous Sclerosis Database Assertion Criteria 2015. Collection method: curation. Allele origin: germline. Affected: yes. Not counted in ClinVar's aggregate classification.

Literature cited by the submitters: PubMed 10205261 (cited by Labcorp Genetics (formerly Invitae), Labcorp); PubMed 17304050 (cited by Labcorp Genetics (formerly Invitae), Labcorp); PubMed 9881533 (cited by Labcorp Genetics (formerly Invitae), Labcorp); PubMed 21520333 (cited by Labcorp Genetics (formerly Invitae), Labcorp).

NM_000548.5(TSC2):c.1111C>T (p.Gln371Ter)

Gene: TSC2 (TSC complex subunit 2; plus strand). Cytogenetic location: 16p13.3.
Variant type: single nucleotide variant.
Coding change: c.1111C>T on transcript NM_000548.5 (MANE Select); coding-DNA position 1111, C replaced by T.
Protein change: p.Gln371Ter; replaces glutamine 371 with a stop codon.
Molecular consequence: nonsense.
Genome position (GRCh38, 1-based): chr16:2,060,805, C>T. VCF-style: chr16-2060805-C-T. GRCh37 (hg19) VCF-style: chr16-2110806-C-T.
Other names: c.1111C>T, p.Gln371Ter (NM_001370405.1, NM_021055.3, NM_001077183.3 and 3 more transcripts); c.1000C>T, p.Gln334Ter (NM_001318827.2); c.964C>T, p.Gln322Ter (NM_001318829.2); c.511C>T, p.Gln171Ter (NM_001318831.2); c.1144C>T, p.Gln382Ter (NM_001318832.2); c.1111C>T (NM_000548.4); short protein forms Q371*, Q171*, Q334*, Q382*, Q322*.
Identifiers: ClinVar variation 49142 (VCV000049142.10), dbSNP rs45469099, ClinGen allele CA013813.